The following is an entry in ClinVar:

NM_003823.4(TNFRSF6B):c.773G>A (p.Arg258His)

Genes: RTEL1 (regulator of telomere elongation helicase 1; plus strand), RTEL1-TNFRSF6B (RTEL1-TNFRSF6B readthrough (NMD candidate); plus strand), TNFRSF6B (TNF receptor superfamily member 6b; plus strand). Cytogenetic location: 20q13.33.
Variant type: single nucleotide variant.
Coding change: c.773G>A on transcript NM_003823.4 (MANE Select); coding-DNA position 773, G replaced by A.
Protein change: p.Arg258His; replaces arginine 258 with histidine.
Molecular consequence: missense variant. On other transcripts: non-coding transcript variant (1).
Genome position (GRCh38, 1-based): chr20:63,698,433, G>A. VCF-style: chr20-63698433-G-A. GRCh37 (hg19) VCF-style: chr20-62329786-G-A.
Other names: short protein forms R258H.
Identifiers: ClinVar variation 550566 (VCV000550566.9), dbSNP rs767090761, ClinGen allele CA9966603.

ClinVar aggregate classification (germline): Uncertain significance. Review status: criteria provided, single submitter (1 of 4 stars). 2 submissions from 2 submitters: Uncertain significance (1). 1 of the submissions does not count toward it. Last evaluated 2025-04-26.

Conditions:
Dyskeratosis congenita, autosomal recessive 5 (DKCB5). Identifiers: MedGen C3554656, MONDO:0014076, OMIM 615190.

Allele frequency attached by ClinVar (database versions not stated): gnomAD 0.00003; TOPMed 0.00006.

Submissions (2):

Labcorp Genetics (formerly Invitae), Labcorp
Classification: Uncertain significance. Last evaluated: 2025-04-26. Review status: criteria provided, single submitter. Criteria: Invitae Variant Classification Sherloc (09022015). Collection method: clinical testing. Allele origin: germline.
Comment: This sequence change replaces arginine, which is basic and polar, with histidine, which is basic and polar, at codon 258 of the TNFRSF6B protein (p.Arg258His). This variant is present in population databases (rs767090761, gnomAD 0.004%). This variant has not been reported in the literature in individuals affected with TNFRSF6B-related conditions. ClinVar contains an entry for this variant (Variation ID: 550566). An algorithm developed to predict the effect of missense changes on protein structure and function outputs the following: PolyPhen-2: "Benign". The histidine amino acid residue is found in multiple mammalian species, which suggests that this missense change does not adversely affect protein function. In summary, the available evidence is currently insufficient to determine the role of this variant in disease. Therefore, it has been classified as a Variant of Uncertain Significance.

Counsyl
Classification: Uncertain significance for Dyskeratosis congenita, autosomal recessive 5. Last evaluated: 2017-02-01. Review status: no assertion criteria provided. Collection method: clinical testing. Allele origin: unknown. Not counted in ClinVar's aggregate classification.